The following is an entry in ClinVar:

NM_001080442.3(SLC38A8):c.565C>T (p.Leu189=)

Gene: SLC38A8 (solute carrier family 38 member 8; minus strand). Cytogenetic location: 16q23.3.
Variant type: single nucleotide variant.
Coding change: c.565C>T on transcript NM_001080442.3 (MANE Select); coding-DNA position 565, C replaced by T.
Protein change: p.Leu189=; no amino-acid change (leucine 189 retained).
Molecular consequence: synonymous variant.
Genome position (GRCh38, 1-based): chr16:84,031,934, G>A on the plus strand (C>T on the coding strand, the complement: SLC38A8 is on the minus strand). VCF-style: chr16-84031934-G-A. GRCh37 (hg19) VCF-style: chr16-84065539-G-A.
Identifiers: ClinVar variation 3353243 (VCV003353243.1).
Genomic context (GRCh38, chr16:84,031,934, plus strand): 5'-AAGGATGGGACTCACGCACGAGGCCCTGGGGCCAGAGGTAGTACTGCACGGTGATGACCA[G>A]GGCCAGGTAACAGGCAGCCAGAGTGCCTAGGATGCTAACACAGTGACCGTGTGAGGGGCT-3'
Protein context (NP_001073911.1, residues 179-199): LGTLAACYLA[Leu189=]VITVQYYLWP

ClinVar aggregate classification (germline): Likely benign (0 of 4 stars; one submission).

Conditions:
SLC38A8-related disorder. Also called: SLC38A8-related condition.

gnomAD v4.1: 3 of 1,614,104 alleles (0.00019%); highest among the groups gnomAD compares: African/African-American, 0.0027%; no homozygotes.

Submission:

PreventionGenetics, part of Exact Sciences
Classification: Likely benign for SLC38A8-related condition. Last evaluated: 2024-05-21. Review status: no assertion criteria provided. Collection method: clinical testing. Allele origin: germline.
Comment: This variant is classified as likely benign based on ACMG/AMP sequence variant interpretation guidelines (Richards et al. 2015 PMID: 25741868, with internal and published modifications).